The following is an entry in ClinVar:

NM_000434.4(NEU1):c.129C>T (p.Ser43=)

Gene: NEU1 (neuraminidase 1; minus strand). Cytogenetic location: 6p21.33.
Variant type: single nucleotide variant.
Coding change: c.129C>T on transcript NM_000434.4 (MANE Select); coding-DNA position 129, C replaced by T.
Protein change: p.Ser43=; no amino-acid change (serine 43 retained).
Molecular consequence: synonymous variant.
Genome position (GRCh38, 1-based): chr6:31,862,648, G>A on the plus strand (C>T on the coding strand, the complement: NEU1 is on the minus strand). VCF-style: chr6-31862648-G-A. GRCh37 (hg19) VCF-style: chr6-31830425-G-A.
Other names: c.129C>T (NM_000434.3).
Identifiers: ClinVar variation 1634437 (VCV001634437.10), dbSNP rs767185000, ClinGen allele CA3725094.

ClinVar aggregate classification (germline): Likely benign. Review status: criteria provided, single submitter (1 of 4 stars). 2 submissions from 2 submitters: Likely benign (1). 1 of the submissions does not count toward it. Last evaluated 2025-02-25.

Conditions:
NEU1-related disorder. Also called: NEU1-related condition.

Allele frequency attached by ClinVar (database versions not stated): gnomAD 0.00001; gnomAD exomes 0.00001 and 0.00013; TOPMed 0.00001; ExAC 0.00012.

Submissions (2):

Labcorp Genetics (formerly Invitae), Labcorp
Classification: Likely benign. Last evaluated: 2025-02-25. Review status: criteria provided, single submitter. Criteria: Invitae Variant Classification Sherloc (09022015). Collection method: clinical testing. Allele origin: germline.

PreventionGenetics, part of Exact Sciences
Classification: Likely benign for NEU1-related condition. Last evaluated: 2019-04-16. Review status: no assertion criteria provided. Collection method: clinical testing. Allele origin: germline. Not counted in ClinVar's aggregate classification.
Comment: This variant is classified as likely benign based on ACMG/AMP sequence variant interpretation guidelines (Richards et al. 2015 PMID: 25741868, with internal and published modifications).